The following is an entry in ClinVar:

NM_004136.4(IREB2):c.733A>T (p.Ile245Phe)

Gene: IREB2 (iron responsive element binding protein 2; plus strand). Cytogenetic location: 15q25.1.
Variant type: single nucleotide variant.
Coding change: c.733A>T on transcript NM_004136.4 (MANE Select); coding-DNA position 733, A replaced by T.
Protein change: p.Ile245Phe; replaces isoleucine 245 with phenylalanine.
Molecular consequence: missense variant. On other transcripts: 5 prime UTR variant (1).
Genome position (GRCh38, 1-based): chr15:78,471,774, A>T. VCF-style: chr15-78471774-A-T. GRCh37 (hg19) VCF-style: chr15-78764116-A-T.
Other names: c.733A>T (NM_004136.2); c.-18A>T (NM_001320941.2); c.562A>T, p.Ile188Phe (NM_001320942.2, NM_001354994.2); c.733A>T, p.Ile245Phe (NM_001320943.2); short protein forms I188F, I245F.
Identifiers: ClinVar variation 1049630 (VCV001049630.2), dbSNP rs191113858, ClinGen allele CA7682791.
Genomic context (GRCh38, chr15:78,471,774, plus strand): 5'-TATTTCTTAAATTTAAACAAAATATAGTGGAGTTCAAGAGTTTTTAAGAATGTGGCAGTG[A>T]TCCCTCCTGGAACTGGAATGGCTCATCAAATAAACTTAGAATATTTGTCAAGAGTGGTTT-3'
Protein context (NP_004127.2, residues 235-255): SSRVFKNVAV[Ile245Phe]PPGTGMAHQI

ClinVar aggregate classification (germline): Uncertain significance. Review status: criteria provided, single submitter (1 of 4 stars). 2 submissions from 2 submitters: Uncertain significance (1). 1 of the submissions does not count toward it. Last evaluated 2025-09-25.

Conditions:
Inborn genetic diseases. Identifiers: MedGen C0950123, MeSH D030342.

gnomAD v4.1: 2 of 1,610,992 alleles (0.00012%); highest among the groups gnomAD compares: Non-Finnish European, 0.000085%; no homozygotes.

Submissions (2):

Ambry Genetics
Classification: Uncertain significance for Inborn genetic diseases. Last evaluated: 2025-09-25. Review status: criteria provided, single submitter. Criteria: Ambry Variant Classification Scheme 2023. Collection method: clinical testing. Allele origin: germline.

Department of Pathology and Laboratory Medicine, Sinai Health System
Classification: Uncertain significance. Review status: no assertion criteria provided. Collection method: clinical testing. Allele origin: unknown. Affected: yes. Study: The Canadian Open Genetics Repository (COGR). Not counted in ClinVar's aggregate classification.
Comment: The IREB2 p.Ile245Phe variant was not identified in the literature nor was it identified in ClinVar or LOVD 3.0. The variant was identified in dbSNP (ID: rs191113858) and in control databases in 1 of 119108 chromosomes at a frequency of 0.000008396 (Exome Aggregation Consortium). The variant was observed in the European (Finnish) population in 1 of 6590 chromosomes (freq: 0.000152) but was not observed in the African, East Asian, European (Non-Finnish), Latino, Other or South Asian populations. The p.Ile245 residue is conserved in mammals and computational analyses (PolyPhen-2, SIFT, AlignGVGD, BLOSUM, MutationTaster) provide inconsistent predictions regarding the impact to the protein; this information is not very predictive of pathogenicity. The variant occurs outside of the splicing consensus sequence and in silico or computational prediction software programs (SpliceSiteFinder, MaxEntScan, NNSPLICE, GeneSplicer) do not predict a difference in splicing. In summary, based on the above information the clinical significance of this variant cannot be determined with certainty at this time. This variant is classified as a variant of uncertain significance.